The following is an entry in ClinVar:

ClinVar aggregate classification (germline): Likely pathogenic. Review status: criteria provided, multiple submitters, no conflicts (2 of 4 stars). 2 submissions from 2 submitters: Likely pathogenic (2). Last evaluated 2026-01-26.

Conditions:
COL1A1-related disorder. Also called: COL1A1-related condition; COL1A1- related disease.

Submissions (2):

Dasa
Classification: Likely pathogenic. Last evaluated: 2026-01-26. Review status: criteria provided, single submitter. Criteria: DASA Assertion Criteria. Collection method: clinical testing. Allele origin: germline.
Comment: NM_000088.4(COL1A1):c.2597G>A (p.Gly866Asp) is a missense variant that results in the substitution of glycine with aspartic acid. The affected residue or protein region has prior evidence supporting clinical relevance. This variant is absent from population databases. Computational evidence supports a deleterious effect. Based on the currently available evidence, this variant is classified as likely pathogenic.

Blueprint Genetics
Classification: Likely pathogenic for COL1A1-related disorders. Last evaluated: 2019-10-02. Review status: criteria provided, single submitter. Criteria: ACMG Guidelines, 2015. Collection method: clinical testing. Allele origin: germline. Affected: yes. Observed: 1 variant allele.

NM_000088.4(COL1A1):c.2597G>A (p.Gly866Asp)

Gene: COL1A1 (collagen type I alpha 1 chain; minus strand). Cytogenetic location: 17q21.33.
Variant type: single nucleotide variant.
Coding change: c.2597G>A on transcript NM_000088.4 (MANE Select); coding-DNA position 2597, G replaced by A.
Protein change: p.Gly866Asp; replaces glycine 866 with aspartic acid.
Molecular consequence: missense variant.
Genome position (GRCh38, 1-based): chr17:50,189,875, C>T on the plus strand (G>A on the coding strand, the complement: COL1A1 is on the minus strand). VCF-style: chr17-50189875-C-T. GRCh37 (hg19) VCF-style: chr17-48267236-C-T.
Other names: short protein forms G866D.
Identifiers: ClinVar variation 4884181 (VCV004884181.3).